The following is an entry in ClinVar:

ClinVar aggregate classification (germline): Pathogenic/Likely pathogenic. Review status: criteria provided, multiple submitters, no conflicts (2 of 4 stars). 2 submissions from 2 submitters: Pathogenic (1); Likely pathogenic (1). Last evaluated 2022-03-08.

Conditions:
Fanconi anemia complementation group A (FANCA). Also called: FANCA-Related Fanconi Anemia; Fanconi anemia, group A. Identifiers: Orphanet 84, MedGen C3469521, MONDO:0009215, OMIM 227650.
Fanconi anemia (FA). Also called: Fanconi's anemia. Identifiers: Orphanet 84, MedGen C0015625, MeSH D005199, MONDO:0019391.

Submissions (2):

Labcorp Genetics (formerly Invitae), Labcorp
Classification: Pathogenic for Fanconi anemia. Last evaluated: 2022-03-08. Review status: criteria provided, single submitter. Criteria: Invitae Variant Classification Sherloc (09022015). Collection method: clinical testing. Allele origin: germline.
Comment: This sequence change creates a premature translational stop signal (p.Leu617Profs*20) in the FANCA gene. It is expected to result in an absent or disrupted protein product. Loss-of-function variants in FANCA are known to be pathogenic (PMID: 19367192). This variant is not present in population databases (gnomAD no frequency). This premature translational stop signal has been observed in individual(s) with fanconi anemia (PMID: 24584348). ClinVar contains an entry for this variant (Variation ID: 1179145). For these reasons, this variant has been classified as Pathogenic.

Fulgent Genetics
Classification: Likely pathogenic for Fanconi anemia complementation group A. Last evaluated: 2021-06-30. Review status: criteria provided, single submitter. Criteria: ACMG Guidelines, 2015. Collection method: clinical testing. Allele origin: unknown.
Comment: This variant has been detected in individual(s) who were sent for testing of Renasight - kidney gene panel.

Literature cited by the submitters: PubMed 19367192 (cited by Labcorp Genetics (formerly Invitae), Labcorp); PubMed 24584348 (cited by Labcorp Genetics (formerly Invitae), Labcorp).

NM_000135.4(FANCA):c.1850_1859del (p.Leu617fs)

Gene: FANCA (FA complementation group A; minus strand). Cytogenetic location: 16q24.3.
Variant type: Deletion.
Coding change: c.1850_1859del on transcript NM_000135.4 (MANE Select); coding-DNA positions 1850 to 1859, 10 bases deleted (TGTACTCCAC; older notation c.1850_1859delTGTACTCCAC).
Protein change: p.Leu617fs; shifts the reading frame from leucine 617.
Molecular consequence: frameshift variant.
Genome position (GRCh38, 1-based): chr16:89,775,783-89,775,792, GTGGAGTACA deleted on the plus strand (TGTACTCCAC on the coding strand, the reverse complement: FANCA is on the minus strand); deleting any 10 consecutive bases within chr16:89,775,783-89,775,793 gives the same sequence; the c. name uses the placement nearest the transcript's 3' end. VCF-style (leftmost placement, unchanged base first): chr16-89775782-GGTGGAGTACA-G. GRCh37 (hg19) VCF-style: chr16-89842190-GGTGGAGTACA-G.
Other names: c.1850_1859del, p.Leu617fs (NM_001286167.3); short protein forms L617fs.
Identifiers: ClinVar variation 1179145 (VCV001179145.7), dbSNP rs2143393148, ClinGen allele CA2499223847.
Genomic context (GRCh38, chr16:89,775,782, plus strand): 5'-CAAGCGGCCCAGGAACTTACCTTCTGGCTTCTCTTCAGCAGCAGAGCAGGCCTGGCAGTA[GGTGGAGTACA>G]GAGATGGGGGGATTTTATCTGCTCTGGATCACAGGAAAACAATACAATTAAGTCAGCTAT-3'